The following is an entry in ClinVar:

NM_000334.4(SCN4A):c.2854-5C>T

Genes: GH-LCR (growth hormone locus control region; plus strand), SCN4A (sodium voltage-gated channel alpha subunit 4; minus strand). Cytogenetic location: 17q23.3.
Variant type: single nucleotide variant.
Coding change: c.2854-5C>T on transcript NM_000334.4 (MANE Select); 5 bases into the intron before coding-DNA position 2854, C replaced by T.
Molecular consequence: intron variant.
Genome position (GRCh38, 1-based): chr17:63,949,533, G>A on the plus strand (C>T on the coding strand, the complement: SCN4A is on the minus strand). VCF-style: chr17-63949533-G-A. GRCh37 (hg19) VCF-style: chr17-62026893-G-A.
Other names: p.?.
Identifiers: ClinVar variation 324527 (VCV000324527.68), dbSNP rs374039266, ClinGen allele CA8709466.

ClinVar aggregate classification (germline): Conflicting classifications of pathogenicity. Review status: criteria provided, conflicting classifications (1 of 4 stars). 12 submissions from 8 submitters: Uncertain significance (1); Benign (6); Likely benign (5). Last evaluated 2026-01-28.

Conditions:
SCN4A-related disorder. Also called: SCN4A-related disorders.
Hyperkalemic periodic paralysis. Also called: Familial hyperkalemic periodic paralysis; Gamstorp disease. Identifiers: Orphanet 682, MedGen C0238357, MONDO:0008224, OMIM 170500, HP:0007215.
Congenital myasthenic syndrome 16. Identifiers: Orphanet 590, MedGen C3280112, MONDO:0013620, OMIM 614198.
Paramyotonia congenita of Von Eulenburg. Also called: Paramyotonia Congenita; PARALYSIS PERIODICA PARAMYOTONICA; Eulenburg disease; Myotonia congenita intermittens; Von Eulenburg paramyotonia congenita. Identifiers: Orphanet 684, MedGen C0221055, MONDO:0008195, OMIM 168300. Disease mechanism: loss of function.
Potassium-aggravated myotonia. Also called: Myotonia congenita, atypical, acetazolamide-responsive; MYOTONIA CONGENITA, ACETAZOLAMIDE-RESPONSIVE; MYOTONIA CONGENITA, ATYPICAL; SODIUM CHANNEL MUSCLE DISEASE. Identifiers: Orphanet 612, Orphanet 99734, Orphanet 99735, Orphanet 99736, MedGen C2931826, MONDO:0018959, OMIM 608390.
Hypokalemic periodic paralysis, type 2 (HOKPP2). Identifiers: Orphanet 681, MedGen C2750061, MONDO:0013234, OMIM 613345.

Allele frequency attached by ClinVar (database versions not stated): 1000 Genomes Project 30x 0.00078; gnomAD 0.00133 and 0.00132; ESP Exome Variant Server 0.00163; 1000 Genomes Project 0.00060; gnomAD exomes 0.00100 and 0.00118; ExAC 0.00123; TOPMed 0.00120.

Submissions (12):

Labcorp Genetics (formerly Invitae), Labcorp
Classification: Benign for Hyperkalemic periodic paralysis. Last evaluated: 2026-01-28. Review status: criteria provided, single submitter. Criteria: Invitae Variant Classification Sherloc (09022015). Collection method: clinical testing. Allele origin: germline.

PreventionGenetics, part of Exact Sciences
Classification: Likely benign for SCN4A-related condition. Last evaluated: 2025-06-10. Review status: criteria provided, single submitter. Criteria: ACMG Guidelines, 2015. Collection method: clinical testing. Allele origin: germline.
Comment: This variant is classified as likely benign based on ACMG/AMP sequence variant interpretation guidelines (Richards et al. 2015 PMID: 25741868, with internal and published modifications).

CeGaT Center for Human Genetics Tuebingen
Classification: Likely benign. Last evaluated: 2024-12-01. Review status: criteria provided, single submitter. Criteria: CeGaT Center For Human Genetics Tuebingen Variant Classification Criteria Version 2. Collection method: clinical testing. Allele origin: germline. Affected: yes. Observed: 4 variant alleles.
Comment: SCN4A: BP4

Blueprint Genetics
Classification: Likely benign. Last evaluated: 2024-11-21. Review status: criteria provided, single submitter. Criteria: ACMG Guidelines, 2015. Collection method: clinical testing. Allele origin: germline.

Mayo Clinic Laboratories, Mayo Clinic
Classification: Likely benign. Last evaluated: 2024-02-29. Review status: criteria provided, single submitter. Criteria: ACMG Guidelines, 2015. Collection method: clinical testing. Allele origin: germline. Observed: 5 variant alleles.
Comment: BS1, BP4, BP7

Athena Diagnostics
Classification: Benign. Last evaluated: 2023-12-26. Review status: criteria provided, single submitter. Criteria: Athena Diagnostics Criteria. Collection method: clinical testing. Allele origin: unknown.

GeneDx
Classification: Likely benign. Last evaluated: 2021-03-09. Review status: criteria provided, single submitter. Criteria: GeneDx Variant Classification Process June 2021. Collection method: clinical testing. Allele origin: germline. Affected: yes.

Illumina Laboratory Services, Illumina
Classification: Benign for Hyperkalemic periodic paralysis. Last evaluated: 2018-01-13. Review status: criteria provided, single submitter. Criteria: ICSL Variant Classification Criteria 13 December 2019. Collection method: clinical testing. Allele origin: germline.
Comment: This variant was observed in the ICSL laboratory as part of a predisposition screen in an ostensibly healthy population. It had not been previously curated by ICSL or reported in the Human Gene Mutation Database (HGMD: prior to June 1st, 2018), and was therefore a candidate for classification through an automated scoring system. Utilizing variant allele frequency, disease prevalence and penetrance estimates, and inheritance mode, an automated score was calculated to assess if this variant is too frequent to cause the disease. Based on the score and internal cut-off values, a variant classified as benign is not then subjected to further curation. The score for this variant resulted in a classification of benign for this disease.

Illumina Laboratory Services, Illumina
Classification: Benign for Hypokalemic periodic paralysis, type 2. Last evaluated: 2018-01-13. Review status: criteria provided, single submitter. Criteria: ICSL Variant Classification Criteria 13 December 2019. Collection method: clinical testing. Allele origin: germline.
Comment: the same text as in the submission from Illumina Laboratory Services, Illumina above.

Illumina Laboratory Services, Illumina
Classification: Uncertain significance for Congenital myasthenic syndrome 16. Last evaluated: 2018-01-13. Review status: criteria provided, single submitter. Criteria: ICSL Variant Classification Criteria 13 December 2019. Collection method: clinical testing. Allele origin: germline.

Illumina Laboratory Services, Illumina
Classification: Benign for Paramyotonia congenita of Von Eulenburg. Last evaluated: 2018-01-13. Review status: criteria provided, single submitter. Criteria: ICSL Variant Classification Criteria 13 December 2019. Collection method: clinical testing. Allele origin: germline.
Comment: the same text as in the submission from Illumina Laboratory Services, Illumina above.

Illumina Laboratory Services, Illumina
Classification: Benign for Potassium-aggravated myotonia. Last evaluated: 2018-01-13. Review status: criteria provided, single submitter. Criteria: ICSL Variant Classification Criteria 13 December 2019. Collection method: clinical testing. Allele origin: germline.
Comment: the same text as in the submission from Illumina Laboratory Services, Illumina above.